The following is an entry in ClinVar:

NM_000382.3(ALDH3A2):c.275T>A (p.Leu92Gln)

Gene: ALDH3A2 (aldehyde dehydrogenase 3 family member A2; plus strand). Cytogenetic location: 17p11.2.
Variant type: single nucleotide variant.
Coding change: c.275T>A on transcript NM_000382.3 (MANE Select); coding-DNA position 275, T replaced by A.
Protein change: p.Leu92Gln; replaces leucine 92 with glutamine.
Molecular consequence: missense variant. On other transcripts: 5 prime UTR variant (1).
Genome position (GRCh38, 1-based): chr17:19,651,668, T>A. VCF-style: chr17-19651668-T-A. GRCh37 (hg19) VCF-style: chr17-19554981-T-A.
Other names: c.275T>A, p.Leu92Gln (NM_001031806.2, NM_001369136.1, NM_001369137.2 and 3 more transcripts); c.-414T>A (NM_001369148.2); short protein forms L92Q.
Identifiers: ClinVar variation 1500241 (VCV001500241.6), dbSNP rs2152326462, ClinGen allele CA398702038.

ClinVar aggregate classification (germline): Uncertain significance (1 of 4 stars; one submission).

Submission:

Labcorp Genetics (formerly Invitae), Labcorp
Classification: Uncertain significance. Last evaluated: 2022-07-12. Review status: criteria provided, single submitter. Criteria: Invitae Variant Classification Sherloc (09022015). Collection method: clinical testing. Allele origin: germline.
Comment: In summary, the available evidence is currently insufficient to determine the role of this variant in disease. Therefore, it has been classified as a Variant of Uncertain Significance. Algorithms developed to predict the effect of sequence changes on RNA splicing suggest that this variant may create or strengthen a splice site. Advanced modeling of protein sequence and biophysical properties (such as structural, functional, and spatial information, amino acid conservation, physicochemical variation, residue mobility, and thermodynamic stability) performed at Invitae indicates that this missense variant is not expected to disrupt ALDH3A2 protein function. ClinVar contains an entry for this variant (Variation ID: 1500241). This variant has not been reported in the literature in individuals affected with ALDH3A2-related conditions. This variant is not present in population databases (gnomAD no frequency). This sequence change replaces leucine, which is neutral and non-polar, with glutamine, which is neutral and polar, at codon 92 of the ALDH3A2 protein (p.Leu92Gln).